The following is an entry in ClinVar:

NM_182961.4(SYNE1):c.9448G>A (p.Ala3150Thr)

Gene: SYNE1 (spectrin repeat containing nuclear envelope protein 1; minus strand). Cytogenetic location: 6q25.2.
Variant type: single nucleotide variant.
Coding change: c.9448G>A on transcript NM_182961.4 (MANE Select); coding-DNA position 9448, G replaced by A.
Protein change: p.Ala3150Thr; replaces alanine 3150 with threonine.
Molecular consequence: missense variant.
Genome position (GRCh38, 1-based): chr6:152,373,096, C>T on the plus strand (G>A on the coding strand, the complement: SYNE1 is on the minus strand). VCF-style: chr6-152373096-C-T. GRCh37 (hg19) VCF-style: chr6-152694231-C-T.
Other names: c.9448G>A (NM_182961.2); c.9469G>A, p.Ala3157Thr (NM_033071.5); short protein forms A3150T, A3157T.
Identifiers: ClinVar variation 618410 (VCV000618410.19), dbSNP rs141821444, ClinGen allele CA4057322.

ClinVar aggregate classification (germline): Uncertain significance. Review status: criteria provided, multiple submitters, no conflicts (2 of 4 stars). 4 submissions from 4 submitters: Uncertain significance (4). Last evaluated 2025-08-04.

Conditions:
Autosomal recessive ataxia, Beauce type. Also called: Spinocerebellar ataxia, autosomal recessive 8; ATAXIA, RECESSIVE, OF BEAUCE; SYNE1 Deficiency; SYNE1-Related Autosomal Recessive Cerebellar Ataxia. Identifiers: Orphanet 88644, MedGen C1853116, MONDO:0012549, OMIM 610743.
Emery-Dreifuss muscular dystrophy 4, autosomal dominant (EDMD4). Also called: EMERY-DREIFUSS MUSCULAR DYSTROPHY 4 WITH VARIABLE FEATURES. Identifiers: Orphanet 261, MedGen C2751807, MONDO:0013071, OMIM 612998.

Allele frequency attached by ClinVar (database versions not stated): TOPMed 0.00006; gnomAD 0.00007 and 0.00008; ESP Exome Variant Server 0.00008; ExAC 0.00003; gnomAD exomes 0.00003.
gnomAD v4.1: 55 of 1,614,000 alleles (0.0034%); highest among the groups gnomAD compares: Non-Finnish European, 0.0045%; no homozygotes.

Submissions (4):

Athena Diagnostics
Classification: Uncertain significance. Last evaluated: 2025-08-04. Review status: criteria provided, single submitter. Criteria: Athena Diagnostics Criteria. Collection method: clinical testing. Allele origin: unknown.
Comment: Available data are insufficient to determine the clinical significance of the variant at this time. The frequency of this variant in the general population is uninformative in assessment of its pathogenicity. Polyphen and MutationTaster yielded discordant predictions regarding whether this amino acid change is damaging to the protein.

Labcorp Genetics (formerly Invitae), Labcorp
Classification: Uncertain significance for Emery-Dreifuss muscular dystrophy 4, autosomal dominant; Autosomal recessive ataxia, Beauce type. Last evaluated: 2024-09-04. Review status: criteria provided, single submitter. Criteria: Invitae Variant Classification Sherloc (09022015). Collection method: clinical testing. Allele origin: germline.
Comment: This sequence change replaces alanine, which is neutral and non-polar, with threonine, which is neutral and polar, at codon 3157 of the SYNE1 protein (p.Ala3157Thr). This variant is present in population databases (rs141821444, gnomAD 0.006%). This variant has not been reported in the literature in individuals affected with SYNE1-related conditions. ClinVar contains an entry for this variant (Variation ID: 618410). An algorithm developed to predict the effect of missense changes on protein structure and function (PolyPhen-2) suggests that this variant is likely to be disruptive. In summary, the available evidence is currently insufficient to determine the role of this variant in disease. Therefore, it has been classified as a Variant of Uncertain Significance.

Revvity Omics, Revvity
Classification: Uncertain significance. Last evaluated: 2020-09-14. Review status: criteria provided, single submitter. Criteria: ACMG Guidelines, 2015. Collection method: clinical testing. Allele origin: germline.

ARUP Laboratories, Molecular Genetics and Genomics, ARUP Laboratories
Classification: Uncertain significance. Last evaluated: 2018-03-20. Review status: criteria provided, single submitter. Criteria: ARUP Molecular Germline Variant Investigation Process. Collection method: clinical testing. Allele origin: germline.
Comment: The SYNE1 c.9469G>A; p.Ala3157Thr variant (rs141821444), to our knowledge, is not reported in the medical literature, gene specific variation databases, nor has it been previously identified by our laboratory. This variant is listed in the genome Aggregation Database (gnomAD) with a non-Finnish European population frequency of 0.006% (identified on 8 out of 126,646 chromosomes). The alanine at position 3157 is moderately conserved, considering 12 species, and computational analyses of the effects of the p.Ala3157Thr variant on protein structure and function predict a deleterious effect (SIFT: damaging, PolyPhen-2: possibly damaging). Based on the available information, the clinical significance of the p.Ala3157Thr variant cannot be determined with certainty.